The following is an entry in ClinVar:

ClinVar aggregate classification (germline): Likely pathogenic. Review status: criteria provided, multiple submitters, no conflicts (2 of 4 stars). 2 submissions from 2 submitters: Likely pathogenic (2). Last evaluated 2025-08-23.

Conditions:
Glycine encephalopathy. Also called: Nonketotic hyperglycinemia; Non-ketotic hyperglycinemia. Identifiers: Orphanet 407, MedGen C0751748, MONDO:0011612, HP:0008288.
Glycine encephalopathy 2 (GCE2). Identifiers: MedGen C5830559, MONDO:0958192, OMIM 620398.

Submissions (2):

Centre for Medical Genetics,  Mumbai
Classification: Likely pathogenic for Glycine encephalopathy 2. Last evaluated: 2025-08-23. Review status: criteria provided, single submitter. Criteria: ACMG Guidelines, 2015. Collection method: clinical testing. Allele origin: germline. Affected: yes. Observed: 1 homozygote.

Baylor Genetics
Classification: Likely pathogenic for Glycine encephalopathy 1. Last evaluated: 2020-05-15. Review status: criteria provided, single submitter. Criteria: ACMG Guidelines, 2015. Collection method: clinical testing. Allele origin: unknown. Affected: yes.
Comment: This variant was determined to be likely pathogenic according to ACMG Guidelines, 2015 [PMID:25741868].

NM_000481.4(AMT):c.696G>A (p.Glu232=)

Gene: AMT (aminomethyltransferase; minus strand). Cytogenetic location: 3p21.31.
Variant type: single nucleotide variant.
Coding change: c.696G>A on transcript NM_000481.4 (MANE Select); coding-DNA position 696, G replaced by A.
Protein change: p.Glu232=; no amino-acid change (glutamic acid 232 retained).
Molecular consequence: synonymous variant. On other transcripts: non-coding transcript variant (1).
Genome position (GRCh38, 1-based): chr3:49,419,260, C>T on the plus strand (G>A on the coding strand, the complement: AMT is on the minus strand). VCF-style: chr3-49419260-C-T. GRCh37 (hg19) VCF-style: chr3-49456693-C-T.
Other names: c.564G>A, p.Glu188= (NM_001164710.2); c.528G>A, p.Glu176= (NM_001164711.2); c.696G>A, p.Glu232= (NM_001164712.2).
Identifiers: ClinVar variation 1028287 (VCV001028287.2), dbSNP rs1352631535, ClinGen allele CA433647113.